The following is an entry in ClinVar:

ClinVar aggregate classification (germline): Conflicting classifications of pathogenicity. Review status: criteria provided, conflicting classifications (1 of 4 stars). 4 submissions from 4 submitters: Uncertain significance (1); Likely benign (1). 2 of the submissions do not count toward it. Last evaluated 2025-03-24.

Conditions:
Primary dilated cardiomyopathy (DCM). Also called: Dilated Cardiomyopathy. Identifiers: Orphanet 217604, MedGen C0007193, MeSH D002311, MONDO:0005021, HP:0001644. Inheritance: Various modes of inheritance.

Allele frequency attached by ClinVar (database versions not stated): TOPMed 0.00006.
gnomAD v4.1: 57 of 1,561,030 alleles (0.0037%); highest among the groups gnomAD compares: Admixed American, 0.013%; no homozygotes.

Submissions (4):

Labcorp Genetics (formerly Invitae), Labcorp
Classification: Uncertain significance for Primary dilated cardiomyopathy. Last evaluated: 2025-03-24. Review status: criteria provided, single submitter. Criteria: Invitae Variant Classification Sherloc (09022015). Collection method: clinical testing. Allele origin: germline.
Comment: This sequence change replaces alanine, which is neutral and non-polar, with valine, which is neutral and non-polar, at codon 592 of the NEBL protein (p.Ala592Val). The frequency data for this variant in the population databases is considered unreliable, as metrics indicate poor data quality at this position in the gnomAD database. This variant has not been reported in the literature in individuals affected with NEBL-related conditions. ClinVar contains an entry for this variant (Variation ID: 379214). An algorithm developed to predict the effect of missense changes on protein structure and function outputs the following: PolyPhen-2: "Benign". The valine amino acid residue is found in multiple mammalian species, which suggests that this missense change does not adversely affect protein function. In summary, the available evidence is currently insufficient to determine the role of this variant in disease. Therefore, it has been classified as a Variant of Uncertain Significance.

GeneDx
Classification: Likely benign. Last evaluated: 2015-03-20. Review status: criteria provided, single submitter. Criteria: GeneDx Variant Classification (06012015). Collection method: clinical testing. Allele origin: germline. Affected: yes.
Comment: This variant is considered likely benign or benign based on one or more of the following criteria: it is a conservative change, it occurs at a poorly conserved position in the protein, it is predicted to be benign by multiple in silico algorithms, and/or has population frequency not consistent with disease.

Clinical Genetics DNA and cytogenetics Diagnostics Lab, Erasmus MC, Erasmus Medical Center
Classification: Likely benign. Review status: no assertion criteria provided. Collection method: clinical testing. Allele origin: germline. Affected: yes. Study: VKGL Data-share Consensus. Not counted in ClinVar's aggregate classification.

Genome Diagnostics Laboratory, University Medical Center Utrecht
Classification: Likely benign. Review status: no assertion criteria provided. Collection method: clinical testing. Allele origin: germline. Affected: yes. Study: VKGL Data-share Consensus. Not counted in ClinVar's aggregate classification.

NM_006393.3(NEBL):c.1775C>T (p.Ala592Val)

Gene: NEBL (nebulette; minus strand). Cytogenetic location: 10p12.31.
Variant type: single nucleotide variant.
Coding change: c.1775C>T on transcript NM_006393.3 (MANE Select); coding-DNA position 1775, C replaced by T.
Protein change: p.Ala592Val; replaces alanine 592 with valine.
Molecular consequence: missense variant. On other transcripts: intron variant (9).
Genome position (GRCh38, 1-based): chr10:20,828,531, G>A on the plus strand (C>T on the coding strand, the complement: NEBL is on the minus strand). VCF-style: chr10-20828531-G-A. GRCh37 (hg19) VCF-style: chr10-21117460-G-A.
Other names: c.250-15591C>T (NM_001377326.1, NM_001377327.1, NM_001377328.1); c.358-15591C>T (NM_213569.2, NM_001173484.2, NM_001377322.1); c.301-15591C>T (NM_001377324.1); c.292-15591C>T (NM_001377325.1); c.310-15591C>T (NM_001377323.1); short protein forms A592V.
Identifiers: ClinVar variation 379214 (VCV000379214.13), dbSNP rs146275785, ClinGen allele CA5432757.